The following is an entry in ClinVar:

NM_014305.4(TGDS):c.308A>T (p.His103Leu)

Gene: TGDS (TDP-glucose 4,6-dehydratase; minus strand). Cytogenetic location: 13q32.1.
Variant type: single nucleotide variant.
Coding change: c.308A>T on transcript NM_014305.4 (MANE Select); coding-DNA position 308, A replaced by T.
Protein change: p.His103Leu; replaces histidine 103 with leucine.
Molecular consequence: missense variant. On other transcripts: non-coding transcript variant (1).
Genome position (GRCh38, 1-based): chr13:94,590,858, T>A on the plus strand (A>T on the coding strand, the complement: TGDS is on the minus strand). VCF-style: chr13-94590858-T-A. GRCh37 (hg19) VCF-style: chr13-95243112-T-A.
Other names: c.212A>T, p.His71Leu (NM_001304430.2); c.308A>T (NM_014305.2); short protein forms H103L, H71L.
Identifiers: ClinVar variation 1307217 (VCV001307217.10), dbSNP rs147139240, ClinGen allele CA7018082.
Genomic context (GRCh38, chr13:94,590,858, plus strand): 5'-GGCGAGGGCGGGGAGAGAACTGCCAATCATAACTGTAACATAAAACAATGCTTACCTACA[T>A]GTGTTTGTGCGGCAAAATGTAGTACTATATCTATTTTCTCTGTTTCAAAAAGCAGTTTCA-3'
Protein context (NP_055120.1, residues 93-113): DIVLHFAAQT[His103Leu]VDLSFVRAFE

ClinVar aggregate classification (germline): Uncertain significance. Review status: criteria provided, multiple submitters, no conflicts (2 of 4 stars). 3 submissions from 3 submitters: Uncertain significance (3). Last evaluated 2024-07-09.

Conditions:
Inborn genetic diseases. Identifiers: MedGen C0950123, MeSH D030342.

Allele frequency attached by ClinVar (database versions not stated): 1000 Genomes Project 30x 0.00016; 1000 Genomes Project 0.00020; ESP Exome Variant Server 0.00085.
gnomAD v4.1: 1,000 of 1,567,486 alleles (0.064%); highest among the groups gnomAD compares: Non-Finnish European, 0.083%; no homozygotes.

Submissions (3):

Labcorp Genetics (formerly Invitae), Labcorp
Classification: Uncertain significance. Last evaluated: 2024-07-09. Review status: criteria provided, single submitter. Criteria: Invitae Variant Classification Sherloc (09022015). Collection method: clinical testing. Allele origin: germline.
Comment: This sequence change replaces histidine, which is basic and polar, with leucine, which is neutral and non-polar, at codon 103 of the TGDS protein (p.His103Leu). This variant is present in population databases (rs147139240, gnomAD 0.07%). This variant has not been reported in the literature in individuals affected with TGDS-related conditions. ClinVar contains an entry for this variant (Variation ID: 1307217). Advanced modeling of protein sequence and biophysical properties (such as structural, functional, and spatial information, amino acid conservation, physicochemical variation, residue mobility, and thermodynamic stability) has been performed at Invitae for this missense variant, however the output from this modeling did not meet the statistical confidence thresholds required to predict the impact of this variant on TGDS protein function. In summary, the available evidence is currently insufficient to determine the role of this variant in disease. Therefore, it has been classified as a Variant of Uncertain Significance.

Ambry Genetics
Classification: Uncertain significance for Inborn genetic diseases. Last evaluated: 2021-10-26. Review status: criteria provided, single submitter. Criteria: Ambry Variant Classification Scheme 2023. Collection method: clinical testing. Allele origin: germline.

GeneDx
Classification: Uncertain significance. Last evaluated: 2020-12-22. Review status: criteria provided, single submitter. Criteria: GeneDx Variant Classification Process June 2021. Collection method: clinical testing. Allele origin: germline. Affected: yes.
Comment: In silico analysis, which includes protein predictors and evolutionary conservation, supports a deleterious effect; Has not been previously published as pathogenic or benign to our knowledge